The following is an entry in ClinVar:

NM_005035.4(POLRMT):c.2399T>C (p.Met800Thr)

Gene: POLRMT (RNA polymerase mitochondrial; minus strand). Cytogenetic location: 19p13.3.
Variant type: single nucleotide variant.
Coding change: c.2399T>C on transcript NM_005035.4 (MANE Select); coding-DNA position 2399, T replaced by C.
Protein change: p.Met800Thr; replaces methionine 800 with threonine.
Molecular consequence: missense variant. On other transcripts: non-coding transcript variant (1).
Genome position (GRCh38, 1-based): chr19:621,299, A>G on the plus strand (T>C on the coding strand, the complement: POLRMT is on the minus strand). VCF-style: chr19-621299-A-G. GRCh37 (hg19) VCF-style: chr19-621299-A-G.
Other names: c.2399T>C, p.Met800Thr (NM_001407805.1, NM_001407808.1, NM_001407812.1 and 4 more transcripts); c.2390T>C, p.Met797Thr (NM_001407806.1, NM_001407809.1); c.2387T>C, p.Met796Thr (NM_001407807.1, NM_001407810.1); c.2357T>C, p.Met786Thr (NM_001407811.1, NM_001407813.1); c.2174T>C, p.Met725Thr (NM_001407830.1, NM_001407832.1); c.2075T>C, p.Met692Thr (NM_001407831.1, NM_001407833.1, NM_001407835.1 and 1 more transcripts); c.2066T>C, p.Met689Thr (NM_001407834.1); c.2399T>C (NM_005035.3); short protein forms M689T, M692T, M725T, M786T, M796T, M797T, M800T.
Identifiers: ClinVar variation 3251754 (VCV003251754.2), dbSNP rs1984566457.

ClinVar aggregate classification (germline): Uncertain significance. Review status: criteria provided, multiple submitters, no conflicts (2 of 4 stars). 2 submissions from 2 submitters: Uncertain significance (2). Last evaluated 2025-04-07.

Allele frequency attached by ClinVar (database versions not stated): gnomAD exomes below 0.00001; gnomAD 0.00001.
gnomAD v4.1: 3 of 1,602,314 alleles (0.00019%); highest among the groups gnomAD compares: Non-Finnish European, 0.00025%; no homozygotes.

Submissions (2):

Ambry Genetics
Classification: Uncertain significance. Last evaluated: 2025-04-07. Review status: criteria provided, single submitter. Criteria: Ambry Variant Classification Scheme 2023. Collection method: clinical testing. Allele origin: germline.

Women's Health and Genetics/Laboratory Corporation of America, LabCorp
Classification: Uncertain significance. Last evaluated: 2024-04-23. Review status: criteria provided, single submitter. Criteria: LabCorp Variant Classification Summary - May 2015. Collection method: clinical testing. Allele origin: germline.
Comment: Variant summary: POLRMT c.2399T>C (p.Met800Thr) results in a non-conservative amino acid change in the encoded protein sequence. Four of five in-silico tools predict a damaging effect of the variant on protein function. The variant was absent in 226880 control chromosomes. The available data on variant occurrences in the general population are insufficient to allow any conclusion about variant significance. To our knowledge, no occurrence of c.2399T>C in individuals affected with Combined Oxidative Phosphorylation Deficiency 55 and no experimental evidence demonstrating its impact on protein function have been reported. No submitters have cited clinical-significance assessments for this variant to ClinVar. Based on the evidence outlined above, the variant was classified as uncertain significance.